The following is an entry in ClinVar:

ClinVar aggregate classification (germline): Likely benign. Review status: criteria provided, multiple submitters, no conflicts (2 of 4 stars). 2 submissions from 2 submitters: Likely benign (2). Last evaluated 2025-05-26.

Conditions:
Malignant hyperthermia, susceptibility to, 1 (MHS1). Also called: Anesthesia related hyperthermia; Malignant hyperpyrexia; Fulminating hyperpyrexia; Pharmacogenic myopathy; RYR1-Related Malignant Hyperthermia Susceptibility; Malignant hyperthermia suceptibility 1. Identifiers: Orphanet 423, MedGen C2930980, MONDO:0007783, OMIM 145600.
RYR1-related disorder. Also called: RYR1-related disorders; RYR1-related condition. Identifiers: MedGen CN239331.

Submissions (2):

Labcorp Genetics (formerly Invitae), Labcorp
Classification: Likely benign for RYR1-related disorder. Last evaluated: 2025-05-26. Review status: criteria provided, single submitter. Criteria: Invitae Variant Classification Sherloc (09022015). Collection method: clinical testing. Allele origin: germline.

All of Us Research Program, National Institutes of Health
Classification: Likely benign for Malignant hyperthermia, susceptibility to, 1. Last evaluated: 2024-05-14. Review status: criteria provided, single submitter. Criteria: ACMG Guidelines, 2015. Collection method: clinical testing. Allele origin: germline. Inheritance: Autosomal dominant inheritance. Observed: 1 variant allele, 1 heterozygote.
Comment: This study involves interpretation of variants in research participants for the purpose of population health screening. Participant phenotype was not available at the time of variant classification. Additional details can be found in publication PMID: 35346344, PMCID: PMC8962531

NM_000540.3(RYR1):c.4683C>T (p.Ile1561=)

Gene: RYR1 (ryanodine receptor 1; plus strand). Cytogenetic location: 19q13.2.
Variant type: single nucleotide variant.
Coding change: c.4683C>T on transcript NM_000540.3 (MANE Select); coding-DNA position 4683, C replaced by T.
Protein change: p.Ile1561=; no amino-acid change (isoleucine 1561 retained).
Molecular consequence: synonymous variant.
Genome position (GRCh38, 1-based): chr19:38,483,089, C>T. VCF-style: chr19-38483089-C-T. GRCh37 (hg19) VCF-style: chr19-38973729-C-T.
Other names: c.4683C>T, p.Ile1561= (NM_001042723.2).
Identifiers: ClinVar variation 3387721 (VCV003387721.2).